The following is an entry in ClinVar:

NM_001458.5(FLNC):c.4088G>C (p.Gly1363Ala)

Gene: FLNC (filamin C; plus strand). Cytogenetic location: 7q32.1.
Variant type: single nucleotide variant.
Coding change: c.4088G>C on transcript NM_001458.5 (MANE Select); coding-DNA position 4088, G replaced by C.
Protein change: p.Gly1363Ala; replaces glycine 1363 with alanine.
Molecular consequence: missense variant.
Genome position (GRCh38, 1-based): chr7:128,846,424, G>C. VCF-style: chr7-128846424-G-C. GRCh37 (hg19) VCF-style: chr7-128486478-G-C.
Other names: c.4088G>C, p.Gly1363Ala (NM_001127487.2); short protein forms G1363A.
Identifiers: ClinVar variation 2923348 (VCV002923348.6), dbSNP rs750856173, ClinGen allele CA166180410.
Genomic context (GRCh38, chr7:128,846,424, plus strand): 5'-GCGTGACCGAGGGCTGTGATCCCACCCGCGTCCGAGCCTTCGGGCCAGGCCTGGAGGGTG[G>C]CTTGGTCAACAAGGCCAACCGATTCACTGTGGAGACCAGGTATCCTCCCCCTTTGCTAGC-3'
Protein context (NP_001449.3, residues 1353-1373): VRAFGPGLEG[Gly1363Ala]LVNKANRFTV

ClinVar aggregate classification (germline): Conflicting classifications of pathogenicity. Review status: criteria provided, conflicting classifications (1 of 4 stars). 3 submissions from 3 submitters: Uncertain significance (2); Likely benign (1). Last evaluated 2026-05-03.

Conditions:
Cardiovascular phenotype. Identifiers: MedGen CN230736.
Distal myopathy with posterior leg and anterior hand involvement. Also called: WILLIAMS DISTAL MYOPATHY. Identifiers: Orphanet 63273, MedGen C3279722, MONDO:0013550, OMIM 614065.
Myofibrillar myopathy 5. Also called: Filaminopathy (type); FILAMINOPATHY, AUTOSOMAL DOMINANT. Identifiers: Orphanet 171445, MedGen C1836050, MONDO:0012289, OMIM 609524.
Hypertrophic cardiomyopathy 26. Also called: Cardiomyopathy, familial hypertrophic, 26. Identifiers: Orphanet 75249, MedGen C4310749, MONDO:0014883, OMIM 617047.

Allele frequency attached by ClinVar (database versions not stated): TOPMed 0.00001.
gnomAD v4.1: 17 of 1,605,798 alleles (0.0011%); highest among the groups gnomAD compares: Non-Finnish European, 0.0014%; no homozygotes.

Submissions (3):

Ambry Genetics
Classification: Uncertain significance for Cardiovascular phenotype. Last evaluated: 2026-05-03. Review status: criteria provided, single submitter. Criteria: Ambry Variant Classification Scheme 2023. Collection method: clinical testing. Allele origin: germline.
Comment: The p.G1363A variant (also known as c.4088G>C), located in coding exon 23 of the FLNC gene, results from a G to C substitution at nucleotide position 4088. The glycine at codon 1363 is replaced by alanine, an amino acid with similar properties. This amino acid position is conserved. In addition, the in silico prediction for this alteration is inconclusive. Based on the available evidence, the clinical significance of this variant remains unclear.

GeneDx
Classification: Uncertain significance. Last evaluated: 2025-02-24. Review status: criteria provided, single submitter. Criteria: GeneDx Variant Classification Process June 2021. Collection method: clinical testing. Allele origin: germline. Affected: yes.
Comment: Not observed at significant frequency in large population cohorts (gnomAD); In silico analysis supports that this missense variant has a deleterious effect on protein structure/function; Has not been previously published as pathogenic or benign to our knowledge

Labcorp Genetics (formerly Invitae), Labcorp
Classification: Likely benign for Distal myopathy with posterior leg and anterior hand involvement; Myofibrillar myopathy 5; Hypertrophic cardiomyopathy 26. Last evaluated: 2024-11-05. Review status: criteria provided, single submitter. Criteria: Invitae Variant Classification Sherloc (09022015). Collection method: clinical testing. Allele origin: germline.